The following is an entry in ClinVar:

NM_004304.5(ALK):c.3140C>G (p.Ala1047Gly)

Gene: ALK (ALK receptor tyrosine kinase; minus strand). Cytogenetic location: 2p23.2.
Variant type: single nucleotide variant.
Coding change: c.3140C>G on transcript NM_004304.5 (MANE Select); coding-DNA position 3140, C replaced by G.
Protein change: p.Ala1047Gly; replaces alanine 1047 with glycine.
Molecular consequence: missense variant.
Genome position (GRCh38, 1-based): chr2:29,225,493, G>C on the plus strand (C>G on the coding strand, the complement: ALK is on the minus strand). VCF-style: chr2-29225493-G-C. GRCh37 (hg19) VCF-style: chr2-29448359-G-C.
Other names: short protein forms A1047G.
Identifiers: ClinVar variation 1010622 (VCV001010622.8), dbSNP rs1217558142, ClinGen allele CA346466833.
Genomic context (GRCh38, chr2:29,225,493, plus strand): 5'-GGGAGTCCCTGGGGCTCTGTGCACTCACCAATCATGATGCCGGAGAAAGCCAGGACCAGG[G>C]CGGCCACGAGGGCAGAGGTCACCACAGAGAGGATCAGCGAGAGTGGCAGGTGTGGCTCCG-3'
Protein context (NP_004295.2, residues 1037-1057): LSVVTSALVA[Ala1047Gly]LVLAFSGIMI

ClinVar aggregate classification (germline): Uncertain significance (1 of 4 stars; one submission).

Conditions:
Neuroblastoma, susceptibility to, 3. Also called: ALK-Related Neuroblastic Tumor Susceptibility. Identifiers: Orphanet 635, MedGen C2751681, MONDO:0013083, OMIM 613014.

Submission:

Labcorp Genetics (formerly Invitae), Labcorp
Classification: Uncertain significance for Neuroblastoma, susceptibility to, 3. Last evaluated: 2020-06-10. Review status: criteria provided, single submitter. Criteria: Invitae Variant Classification Sherloc (09022015). Collection method: clinical testing. Allele origin: germline.
Comment: This sequence change replaces alanine with glycine at codon 1047 of the ALK protein (p.Ala1047Gly). The alanine residue is highly conserved and there is a small physicochemical difference between alanine and glycine. This variant is not present in population databases (ExAC no frequency). This variant has not been reported in the literature in individuals with ALK-related conditions. Algorithms developed to predict the effect of missense changes on protein structure and function are either unavailable or do not agree on the potential impact of this missense change (SIFT: "Deleterious"; PolyPhen-2: "Benign"; Align-GVGD: "Class C55"). In summary, the available evidence is currently insufficient to determine the role of this variant in disease. Therefore, it has been classified as a Variant of Uncertain Significance.